The following is an entry in ClinVar:

NM_000334.4(SCN4A):c.1306T>C (p.Phe436Leu)

Gene: SCN4A (sodium voltage-gated channel alpha subunit 4; minus strand). Cytogenetic location: 17q23.3.
Variant type: single nucleotide variant.
Coding change: c.1306T>C on transcript NM_000334.4 (MANE Select); coding-DNA position 1306, T replaced by C.
Protein change: p.Phe436Leu; replaces phenylalanine 436 with leucine.
Molecular consequence: missense variant.
Genome position (GRCh38, 1-based): chr17:63,964,614, A>G on the plus strand (T>C on the coding strand, the complement: SCN4A is on the minus strand). VCF-style: chr17-63964614-A-G. GRCh37 (hg19) VCF-style: chr17-62041974-A-G.
Other names: short protein forms F436L.
Identifiers: ClinVar variation 3645209 (VCV003645209.3).

ClinVar aggregate classification (germline): Uncertain significance. Review status: criteria provided, multiple submitters, no conflicts (2 of 4 stars). 2 submissions from 2 submitters: Uncertain significance (2). Last evaluated 2024-07-02.

Conditions:
Hyperkalemic periodic paralysis. Also called: Gamstorp disease; Familial hyperkalemic periodic paralysis. Identifiers: Orphanet 682, MedGen C0238357, MONDO:0008224, OMIM 170500, HP:0007215.

Submissions (2):

Blueprint Genetics
Classification: Uncertain significance. Last evaluated: 2024-07-02. Review status: criteria provided, single submitter. Criteria: ACMG Guidelines, 2015. Collection method: clinical testing. Allele origin: germline.

Labcorp Genetics (formerly Invitae), Labcorp
Classification: Uncertain significance for Hyperkalemic periodic paralysis. Last evaluated: 2024-03-09. Review status: criteria provided, single submitter. Criteria: Invitae Variant Classification Sherloc (09022015). Collection method: clinical testing. Allele origin: germline.
Comment: This sequence change replaces phenylalanine, which is neutral and non-polar, with leucine, which is neutral and non-polar, at codon 436 of the SCN4A protein (p.Phe436Leu). This variant is not present in population databases (gnomAD no frequency). This variant has not been reported in the literature in individuals affected with SCN4A-related conditions. Advanced modeling of protein sequence and biophysical properties (such as structural, functional, and spatial information, amino acid conservation, physicochemical variation, residue mobility, and thermodynamic stability) performed at Invitae indicates that this missense variant is expected to disrupt SCN4A protein function with a positive predictive value of 95%. In summary, the available evidence is currently insufficient to determine the role of this variant in disease. Therefore, it has been classified as a Variant of Uncertain Significance.